The following is an entry in ClinVar:

ClinVar aggregate classification (germline): Benign/Likely benign. Review status: criteria provided, multiple submitters, no conflicts (2 of 4 stars). 5 submissions from 5 submitters: Benign (1); Likely benign (3). 1 of the submissions does not count toward it. Last evaluated 2025-12-16.

Conditions:
Inborn genetic diseases. Identifiers: MedGen C0950123, MeSH D030342.
SMARCA2-related disorder. Also called: SMARCA2-related condition.

Allele frequency attached by ClinVar (database versions not stated): gnomAD 0.00002 and 0.00004; TOPMed 0.00003; gnomAD exomes 0.00006 and 0.00014; ESP Exome Variant Server 0.00008; ExAC 0.00012.
gnomAD v4.1: 104 of 1,611,668 alleles (0.0065%); highest among the groups gnomAD compares: South Asian, 0.032%; no homozygotes.

Submissions (5):

Labcorp Genetics (formerly Invitae), Labcorp
Classification: Benign. Last evaluated: 2025-12-16. Review status: criteria provided, single submitter. Criteria: Invitae Variant Classification Sherloc (09022015). Collection method: clinical testing. Allele origin: germline.

Blueprint Genetics
Classification: Likely benign. Last evaluated: 2024-09-23. Review status: criteria provided, single submitter. Criteria: ACMG Guidelines, 2015. Collection method: clinical testing. Allele origin: germline.

CeGaT Center for Human Genetics Tuebingen
Classification: Likely benign. Last evaluated: 2022-07-01. Review status: criteria provided, single submitter. Criteria: CeGaT Center For Human Genetics Tuebingen Variant Classification Criteria Version 2. Collection method: clinical testing. Allele origin: germline. Affected: yes. Observed: 1 variant allele.
Comment: SMARCA2: BP4

Ambry Genetics
Classification: Likely benign for Inborn genetic diseases. Last evaluated: 2017-08-14. Review status: criteria provided, single submitter. Criteria: Ambry Variant Classification Scheme 2023. Collection method: clinical testing. Allele origin: germline.

PreventionGenetics, part of Exact Sciences
Classification: Likely benign for SMARCA2-related condition. Last evaluated: 2019-08-12. Review status: no assertion criteria provided. Collection method: clinical testing. Allele origin: germline. Not counted in ClinVar's aggregate classification.
Comment: This variant is classified as likely benign based on ACMG/AMP sequence variant interpretation guidelines (Richards et al. 2015 PMID: 25741868, with internal and published modifications).

NM_003070.5(SMARCA2):c.2348+3A>G

Gene: SMARCA2 (SWI/SNF related BAF chromatin remodeling complex subunit ATPase 2; plus strand). Cytogenetic location: 9p24.3.
Variant type: single nucleotide variant.
Coding change: c.2348+3A>G on transcript NM_003070.5 (MANE Select); 3 bases into the intron after coding-DNA position 2348, A replaced by G.
Molecular consequence: intron variant.
Genome position (GRCh38, 1-based): chr9:2,081,998, A>G. VCF-style: chr9-2081998-A-G. GRCh37 (hg19) VCF-style: chr9-2081998-A-G.
Other names: c.2348+3A>G (NM_139045.4, NM_001289397.2, NM_001289396.2).
Identifiers: ClinVar variation 1701561 (VCV001701561.39), dbSNP rs368599978, ClinGen allele CA4963437.